The following is an entry in ClinVar:

ClinVar aggregate classification (germline): Uncertain significance. Review status: criteria provided, multiple submitters, no conflicts (2 of 4 stars). 2 submissions from 2 submitters: Uncertain significance (2). Last evaluated 2025-11-04.

Conditions:
Charcot-Marie-Tooth disease type 2. Also called: Charcot-Marie-Tooth type 2. Identifiers: Orphanet 64746, MedGen C0270914, MONDO:0018993.

Allele frequency attached by ClinVar (database versions not stated): gnomAD exomes below 0.00001.
gnomAD v4.1: 1 of 1,613,156 alleles (0.000062%); highest among the groups gnomAD compares: South Asian, 0.0011%; no homozygotes.

Submissions (2):

Women's Health and Genetics/Laboratory Corporation of America, LabCorp
Classification: Uncertain significance. Last evaluated: 2025-11-04. Review status: criteria provided, single submitter. Criteria: LabCorp Variant Classification Summary - May 2015. Collection method: clinical testing. Allele origin: germline.
Comment: Variant summary: MFN2 c.1713C>G (p.Asp571Glu) results in a conservative amino acid change in the encoded protein sequence. Algorithms developed to predict the effect of missense changes on protein structure and function are either unavailable or do not agree on the potential impact of this missense change. The variant was absent in 251444 control chromosomes. The available data on variant occurrences in the general population are insufficient to allow any conclusion about variant significance. To our knowledge, no occurrence of c.1713C>G in individuals affected with MFN2-related conditions and no experimental evidence demonstrating its impact on protein function have been reported. ClinVar contains an entry for this variant (Variation ID: 1997617). Based on the evidence outlined above, the variant was classified as uncertain significance.

Labcorp Genetics (formerly Invitae), Labcorp
Classification: Uncertain significance for Charcot-Marie-Tooth disease type 2. Last evaluated: 2022-11-17. Review status: criteria provided, single submitter. Criteria: Invitae Variant Classification Sherloc (09022015). Collection method: clinical testing. Allele origin: germline.
Comment: This variant has not been reported in the literature in individuals affected with MFN2-related conditions. This variant is not present in population databases (gnomAD no frequency). This sequence change replaces aspartic acid, which is acidic and polar, with glutamic acid, which is acidic and polar, at codon 571 of the MFN2 protein (p.Asp571Glu). In summary, the available evidence is currently insufficient to determine the role of this variant in disease. Therefore, it has been classified as a Variant of Uncertain Significance. Advanced modeling of protein sequence and biophysical properties (such as structural, functional, and spatial information, amino acid conservation, physicochemical variation, residue mobility, and thermodynamic stability) performed at Invitae indicates that this missense variant is not expected to disrupt MFN2 protein function.

NM_014874.4(MFN2):c.1713C>G (p.Asp571Glu)

Genes: MFN2 (mitofusin 2; plus strand), LOC129929426 (ATAC-STARR-seq lymphoblastoid active region 185; plus strand). Cytogenetic location: 1p36.22.
Variant type: single nucleotide variant.
Coding change: c.1713C>G on transcript NM_014874.4 (MANE Select); coding-DNA position 1713, C replaced by G.
Protein change: p.Asp571Glu; replaces aspartic acid 571 with glutamic acid.
Molecular consequence: missense variant.
Genome position (GRCh38, 1-based): chr1:12,005,928, C>G. VCF-style: chr1-12005928-C-G. GRCh37 (hg19) VCF-style: chr1-12065985-C-G.
Other names: c.1713C>G, p.Asp571Glu (NM_001127660.2); short protein forms D571E.
Identifiers: ClinVar variation 1997617 (VCV001997617.5), dbSNP rs2523089155, ClinGen allele CA338448290.